The following is an entry in ClinVar:

ClinVar aggregate classification (germline): Benign/Likely benign. Review status: criteria provided, multiple submitters, no conflicts (2 of 4 stars). 15 submissions from 15 submitters: Benign (10); Likely benign (3). 2 of the submissions do not count toward it. Last evaluated 2026-03-01.

Conditions:
RAB7A-related disorder. Also called: RAB7A-related condition.
Inborn genetic diseases. Identifiers: MedGen C0950123, MeSH D030342.
Charcot-Marie-Tooth disease. Also called: Charcot-Marie-Tooth Neuropathy; Charcot-Marie-Tooth Hereditary Neuropathy. Identifiers: Orphanet 166, MedGen C0007959, MONDO:0015626.
Charcot-Marie-Tooth disease type 2B (CMT2B). Also called: Charcot-Marie-Tooth Neuropathy Type 2B; CHARCOT-MARIE-TOOTH DISEASE, AXONAL, TYPE 2B; CHARCOT-MARIE-TOOTH DISEASE, AUTOSOMAL DOMINANT, TYPE 2B; HEREDITARY MOTOR AND SENSORY NEUROPATHY IIB. Identifiers: Orphanet 99936, MedGen C1833219, MONDO:0010949, OMIM 600882.

Allele frequency attached by ClinVar (database versions not stated): 1000 Genomes Project 30x 0.00078; 1000 Genomes Project 0.00080; gnomAD 0.00210; TOPMed 0.00276; ExAC 0.00283; ESP Exome Variant Server 0.00284; gnomAD exomes 0.00287.
gnomAD v4.1: 6,810 of 1,614,168 alleles (0.42%); highest among the groups gnomAD compares: Non-Finnish European, 0.51%; 26 homozygotes.

Submissions (15):

CeGaT Center for Human Genetics Tuebingen
Classification: Likely benign. Last evaluated: 2026-03-01. Review status: criteria provided, single submitter. Criteria: CeGaT Center For Human Genetics Tuebingen Variant Classification Criteria Version 2. Collection method: clinical testing. Allele origin: germline. Affected: yes. Observed: 11 variant alleles.
Comment: RAB7A: BP4, BS2

Labcorp Genetics (formerly Invitae), Labcorp
Classification: Benign for Charcot-Marie-Tooth disease type 2B. Last evaluated: 2026-01-26. Review status: criteria provided, single submitter. Criteria: Invitae Variant Classification Sherloc (09022015). Collection method: clinical testing. Allele origin: germline.

PreventionGenetics, part of Exact Sciences
Classification: Benign for RAB7A-related condition. Last evaluated: 2025-03-11. Review status: criteria provided, single submitter. Criteria: ACMG Guidelines, 2015. Collection method: clinical testing. Allele origin: germline.
Comment: This variant is classified as benign based on ACMG/AMP sequence variant interpretation guidelines (Richards et al. 2015 PMID: 25741868, with internal and published modifications).

Blueprint Genetics
Classification: Likely benign. Last evaluated: 2024-11-26. Review status: criteria provided, single submitter. Criteria: ACMG Guidelines, 2015. Collection method: clinical testing. Allele origin: germline.

Ambry Genetics
Classification: Likely benign for Inborn genetic diseases. Last evaluated: 2024-11-13. Review status: criteria provided, single submitter. Criteria: Ambry Variant Classification Scheme 2023. Collection method: clinical testing. Allele origin: germline.

ARUP Laboratories, Molecular Genetics and Genomics, ARUP Laboratories
Classification: Benign for Charcot-Marie-Tooth disease type 2B. Last evaluated: 2024-03-25. Review status: criteria provided, single submitter. Criteria: ARUP Molecular Germline Variant Investigation Process 2024. Collection method: clinical testing. Allele origin: germline.

Illumina Laboratory Services, Illumina
Classification: Benign for Charcot-Marie-Tooth disease type 2B. Last evaluated: 2018-01-13. Review status: criteria provided, single submitter. Criteria: ICSL Variant Classification Criteria 13 December 2019. Collection method: clinical testing. Allele origin: germline.
Comment: This variant was observed in the ICSL laboratory as part of a predisposition screen in an ostensibly healthy population. It had not been previously curated by ICSL or reported in the Human Gene Mutation Database (HGMD: prior to June 1st, 2018), and was therefore a candidate for classification through an automated scoring system. Utilizing variant allele frequency, disease prevalence and penetrance estimates, and inheritance mode, an automated score was calculated to assess if this variant is too frequent to cause the disease. Based on the score and internal cut-off values, a variant classified as benign is not then subjected to further curation. The score for this variant resulted in a classification of benign for this disease.

Athena Diagnostics
Classification: Benign. Last evaluated: 2017-12-27. Review status: criteria provided, single submitter. Criteria: Athena Diagnostics Criteria. Collection method: clinical testing. Allele origin: germline.

Mayo Clinic Laboratories, Mayo Clinic
Classification: Benign. Last evaluated: 2017-03-10. Review status: criteria provided, single submitter. Criteria: ACMG Guidelines, 2015. Collection method: clinical testing. Allele origin: germline. Observed: 14 variant alleles.

Eurofins Ntd Llc (ga)
Classification: Benign. Last evaluated: 2016-01-08. Review status: criteria provided, single submitter. Criteria: EGL Classification Definitions 2015. Collection method: clinical testing. Allele origin: germline. Observed: 1 variant allele, 1 heterozygote.

GeneDx
Classification: Benign. Last evaluated: 2015-03-03. Review status: criteria provided, single submitter. Criteria: GeneDx Variant Classification Process June 2021. Collection method: clinical testing. Allele origin: germline. Affected: yes.

Breakthrough Genomics
Classification: Benign. Review status: criteria provided, single submitter. Criteria: ACMG Guidelines, 2015. Collection method: not provided. Allele origin: germline. Inheritance: Autosomal dominant inheritance. Affected: yes.

Molecular Genetics Laboratory, London Health Sciences Centre
Classification: Benign for Charcot-Marie-Tooth disease. Review status: criteria provided, single submitter. Criteria: ACMG Guidelines, 2015. Collection method: clinical testing. Allele origin: germline. Affected: yes.

Clinical Genetics, Academic Medical Center
Classification: Benign. Review status: no assertion criteria provided. Collection method: clinical testing. Allele origin: germline. Affected: yes. Study: VKGL Data-share Consensus. Not counted in ClinVar's aggregate classification.

Genome Diagnostics Laboratory, University Medical Center Utrecht
Classification: Benign. Review status: no assertion criteria provided. Collection method: clinical testing. Allele origin: germline. Affected: yes. Study: VKGL Data-share Consensus. Not counted in ClinVar's aggregate classification.

NM_004637.6(RAB7A):c.423C>G (p.Ala141=)

Gene: RAB7A (RAB7A, member RAS oncogene family; plus strand). Cytogenetic location: 3q21.3.
Variant type: single nucleotide variant.
Coding change: c.423C>G on transcript NM_004637.6 (MANE Select); coding-DNA position 423, C replaced by G.
Protein change: p.Ala141=; no amino-acid change (alanine 141 retained).
Molecular consequence: synonymous variant.
Genome position (GRCh38, 1-based): chr3:128,807,566, C>G. VCF-style: chr3-128807566-C-G. GRCh37 (hg19) VCF-style: chr3-128526409-C-G.
Other names: p.Ala141=.
Identifiers: ClinVar variation 285287 (VCV000285287.61), dbSNP rs61758751, ClinGen allele CA2600846.